The following is an entry in ClinVar:

NM_145868.2(ANXA11):c.1394A>G (p.Asp465Gly)

Gene: ANXA11 (annexin A11; minus strand). Cytogenetic location: 10q22.3.
Variant type: single nucleotide variant.
Coding change: c.1394A>G on transcript NM_145868.2 (MANE Select); coding-DNA position 1394, A replaced by G.
Protein change: p.Asp465Gly; replaces aspartic acid 465 with glycine.
Molecular consequence: missense variant.
Genome position (GRCh38, 1-based): chr10:80,157,705, T>C on the plus strand (A>G on the coding strand, the complement: ANXA11 is on the minus strand). VCF-style: chr10-80157705-T-C. GRCh37 (hg19) VCF-style: chr10-81917461-T-C.
Other names: c.1394A>G, p.Asp465Gly (NM_001157.3, NM_001278407.2, NM_001278408.2 and 1 more transcripts); c.1295A>G, p.Asp432Gly (NM_001278409.2); short protein forms D465G, D432G.
Identifiers: ClinVar variation 4581490 (VCV004581490.2).

ClinVar aggregate classification (germline): Uncertain significance. Review status: criteria provided, multiple submitters, no conflicts (2 of 4 stars). 2 submissions from 2 submitters: Uncertain significance (2). Last evaluated 2025-11-05.

Conditions:
Inborn genetic diseases. Identifiers: MedGen C0950123, MeSH D030342.

Submissions (2):

Ambry Genetics
Classification: Uncertain significance for Inborn genetic diseases. Last evaluated: 2025-11-05. Review status: criteria provided, single submitter. Criteria: Ambry Variant Classification Scheme 2023. Collection method: clinical testing. Allele origin: germline.

Labcorp Genetics (formerly Invitae), Labcorp
Classification: Uncertain significance. Last evaluated: 2025-09-01. Review status: criteria provided, single submitter. Criteria: Invitae Variant Classification Sherloc (09022015). Collection method: clinical testing. Allele origin: germline.
Comment: This sequence change replaces aspartic acid, which is acidic and polar, with glycine, which is neutral and non-polar, at codon 465 of the ANXA11 protein (p.Asp465Gly). This variant is not present in population databases (gnomAD no frequency). This variant has not been reported in the literature in individuals affected with ANXA11-related conditions. An algorithm developed to predict the effect of missense changes on protein structure and function (PolyPhen-2) suggests that this variant is likely to be disruptive. In summary, the available evidence is currently insufficient to determine the role of this variant in disease. Therefore, it has been classified as a Variant of Uncertain Significance.